The following is an entry in ClinVar:

NM_147127.5(EVC2):c.1852delinsTCTTT (p.Ala618fs)

Gene: EVC2 (EvC ciliary complex subunit 2; minus strand). Cytogenetic location: 4p16.2.
Variant type: Indel.
Coding change: c.1852delinsTCTTT on transcript NM_147127.5 (MANE Select); coding-DNA position 1852, G replaced by TCTTT.
Protein change: p.Ala618fs; shifts the reading frame from alanine 618.
Molecular consequence: frameshift variant.
Genome position (GRCh38, 1-based): chr4:5,628,593, C replaced by AAAGA on the plus strand (G replaced by TCTTT on the coding strand, the reverse complement: EVC2 is on the minus strand). VCF-style: chr4-5628593-C-AAAGA. GRCh37 (hg19) VCF-style: chr4-5630320-C-AAAGA.
Other names: c.1612delinsTCTTT, p.Ala538fs (NM_001166136.2); short protein forms A538fs, A618fs.
Identifiers: ClinVar variation 1724290 (VCV001724290.2), dbSNP rs2475395618, ClinGen allele CA2580070755.

ClinVar aggregate classification (germline): Likely pathogenic (1 of 4 stars; one submission).

Conditions:
Ellis-van Creveld syndrome (EVC). Also called: EVC-Related Ellis-van Creveld Syndrome; EVC2-Related Ellis-van Creveld Syndrome; MESOECTODERMAL DYSPLASIA; Chondroectodermal dysplasia. Identifiers: Orphanet 289, MedGen C0013903, MONDO:0009162, OMIM 225500.

Submission:

Myriad Genetics, Inc.
Classification: Likely pathogenic for Ellis-van Creveld syndrome. Last evaluated: 2022-02-04. Review status: criteria provided, single submitter. Criteria: Myriad Women's Health Autosomal Recessive and X-Linked Classification Criteria (2021). Collection method: clinical testing. Allele origin: unknown.
Comment: NM_147127.4(EVC2):c.1852del1ins5(A618Sfs*19) is expected to be pathogenic in the context of EVC2-related Ellis-van Creveld syndrome. This variant is predicted to lead to an abnormal or absent protein product due to the creation of a premature termination codon in EVC2, a gene where loss-of-function variants are known to be pathogenic. Please note: this variant was assessed in the context of healthy population screening.